The following is an entry in ClinVar:

NM_001256071.3(RNF213):c.11759G>C (p.Trp3920Ser)

Genes: RNF213 (ring finger protein 213; plus strand), RNF213-AS1 (RNF213 antisense RNA 1; minus strand). Cytogenetic location: 17q25.3.
Variant type: single nucleotide variant.
Coding change: c.11759G>C on transcript NM_001256071.3 (MANE Select); coding-DNA position 11759, G replaced by C.
Protein change: p.Trp3920Ser; replaces tryptophan 3920 with serine.
Molecular consequence: missense variant.
Genome position (GRCh38, 1-based): chr17:80,364,441, G>C. VCF-style: chr17-80364441-G-C. GRCh37 (hg19) VCF-style: chr17-78338241-G-C.
Other names: c.11906G>C, p.Trp3969Ser (NM_001410195.1, NM_020914.5); c.11759G>C (NM_001256071.2); short protein forms W3920S, W3969S.
Identifiers: ClinVar variation 3250455 (VCV003250455.2), dbSNP rs565102144.

ClinVar aggregate classification (germline): Conflicting classifications of pathogenicity. Review status: criteria provided, conflicting classifications (1 of 4 stars). 2 submissions from 2 submitters: Uncertain significance (1); Likely benign (1). Last evaluated 2025-07-31.

Conditions:
RNF213-related disorder. Also called: RNF213-related condition.
Moyamoya disease 2 (MYMY2). Also called: MOYAMOYA DISEASE 2, SUSCEPTIBILITY TO. Identifiers: Orphanet 2573, MedGen C1846689, MONDO:0011784, OMIM 607151.

Allele frequency attached by ClinVar (database versions not stated): 1000 Genomes Project 30x 0.00062; 1000 Genomes Project 0.00080.
gnomAD v4.1: 343 of 1,614,178 alleles (0.021%); highest among the groups gnomAD compares: South Asian, 0.35%; 2 homozygotes.

Submissions (2):

PreventionGenetics, part of Exact Sciences
Classification: Likely benign for RNF213-related condition. Last evaluated: 2025-07-31. Review status: criteria provided, single submitter. Criteria: ACMG Guidelines, 2015. Collection method: clinical testing. Allele origin: germline.
Comment: This variant is classified as likely benign based on ACMG/AMP sequence variant interpretation guidelines (Richards et al. 2015 PMID: 25741868, with internal and published modifications).

Neuberg Centre For Genomic Medicine, NCGM
Classification: Uncertain significance for Moyamoya disease 2. Review status: criteria provided, single submitter. Criteria: ACMG Guidelines, 2015. Collection method: clinical testing. Allele origin: germline. Inheritance: Autosomal recessive inheritance. Affected: yes.
Comment: The missense c.11759G>C (p.Trp3920Ser) variant in the RNF213 gene has not been reported previously as a pathogenic variant nor as a benign variant, to our knowledge. Another heterozygous nonsense mutation at the same position (c.11759G>A) in RNF213 leading to premature stop codon (p.Trp3920*) was identified in an individual affected with Moyamoya disease (Lin, Jing et al.,2021). This variant is reported with the allele frequency (0.04%) in the gnomAD Exomes. The amino acid Tryptophan at position 3920 is changed to a Serine changing protein sequence and it might alter its composition and physico-chemical properties. The variant is predicted as damaging by SIFT. The amino acid change p.Trp3920Ser in RNF213 is predicted as conserved by GERP++ and PhyloP across 100 vertebrates. For these reasons, this variant has been classified as Uncertain Significance.